The following is an entry in ClinVar:

ClinVar aggregate classification (germline): Conflicting classifications of pathogenicity. Review status: criteria provided, conflicting classifications (1 of 4 stars). 2 submissions from 2 submitters: Uncertain significance (1); Likely benign (1). Last evaluated 2025-12-10.

Conditions:
Hereditary cancer-predisposing syndrome. Also called: Neoplastic Syndromes, Hereditary; Tumor predisposition; Hereditary Cancer Syndrome; Hereditary neoplastic syndrome. Identifiers: Orphanet 140162, MedGen C0027672, MeSH D009386, MONDO:0015356.
Hereditary breast ovarian cancer syndrome. Also called: BRCA1- and BRCA2-Associated Hereditary Breast and Ovarian Cancer; Hereditary breast and ovarian cancer syndrome; Hereditary breast and ovarian cancer; Breast and ovarian cancer; Hereditary breast and/or ovarian cancer syndrome; Hereditary breast and ovarian cancer syndrome (HBOC). Identifiers: Orphanet 145, MedGen C0677776, MeSH D061325, MONDO:0003582. Disease mechanism: loss of function.

gnomAD v4.1: 1 of 1,597,448 alleles (0.000063%); highest among the groups gnomAD compares: Non-Finnish European, 0.000085%; no homozygotes.

Submissions (2):

Ambry Genetics
Classification: Likely benign for Hereditary cancer-predisposing syndrome. Last evaluated: 2025-12-10. Review status: criteria provided, single submitter. Criteria: Ambry Variant Classification Scheme 2023. Collection method: clinical testing. Allele origin: germline.

Labcorp Genetics (formerly Invitae), Labcorp
Classification: Uncertain significance for Hereditary breast ovarian cancer syndrome. Last evaluated: 2025-09-27. Review status: criteria provided, single submitter. Criteria: Invitae Variant Classification Sherloc (09022015). Collection method: clinical testing. Allele origin: germline.
Comment: This sequence change replaces leucine, which is neutral and non-polar, with serine, which is neutral and polar, at codon 1409 of the BRCA2 protein (p.Leu1409Ser). This variant is not present in population databases (gnomAD no frequency). This variant has not been reported in the literature in individuals affected with BRCA2-related conditions. Invitae Evidence Modeling of protein sequence and biophysical properties (such as structural, functional, and spatial information, amino acid conservation, physicochemical variation, residue mobility, and thermodynamic stability) indicates that this missense variant is not expected to disrupt BRCA2 protein function with a negative predictive value of 95%. In summary, the available evidence is currently insufficient to determine the role of this variant in disease. Therefore, it has been classified as a Variant of Uncertain Significance.

NM_000059.4(BRCA2):c.4226T>C (p.Leu1409Ser)

Gene: BRCA2 (BRCA2 DNA repair associated; plus strand). Cytogenetic location: 13q13.1.
Variant type: single nucleotide variant.
Coding change: c.4226T>C on transcript NM_000059.4 (MANE Select); coding-DNA position 4226, T replaced by C.
Protein change: p.Leu1409Ser; replaces leucine 1409 with serine.
Molecular consequence: missense variant. On other transcripts: non-coding transcript variant (1), intron variant (2).
Genome position (GRCh38, 1-based): chr13:32,338,581, T>C. VCF-style: chr13-32338581-T-C. GRCh37 (hg19) VCF-style: chr13-32912718-T-C.
Other names: c.4226T>C, p.Leu1409Ser (NM_001406719.1, NM_001406720.1, NM_001432077.1); c.1909+5194T>C (NM_001406721.1); c.425-5977T>C (NM_001406722.1); short protein forms L1409S.
Identifiers: ClinVar variation 4625915 (VCV004625915.2).